The following is an entry in ClinVar:

ClinVar aggregate classification (germline): Conflicting classifications of pathogenicity. Review status: criteria provided, conflicting classifications (1 of 4 stars). 2 submissions from 2 submitters: Likely pathogenic (1); Uncertain significance (1). Last evaluated 2024-07-13.

Conditions:
RDH5-related disorder. Also called: RDH5-related condition.

Allele frequency attached by ClinVar (database versions not stated): TOPMed 0.00001.
gnomAD v4.1: 12 of 1,613,602 alleles (0.00074%); highest among the groups gnomAD compares: Non-Finnish European, 0.001%; no homozygotes.

Submissions (2):

Blueprint Genetics
Classification: Likely pathogenic for RDH5-related disorders. Last evaluated: 2024-07-13. Review status: criteria provided, single submitter. Criteria: ACMG Guidelines, 2015. Collection method: clinical testing. Allele origin: germline. Affected: yes. Observed: 3 variant alleles.

Labcorp Genetics (formerly Invitae), Labcorp
Classification: Uncertain significance. Last evaluated: 2021-02-11. Review status: criteria provided, single submitter. Criteria: Invitae Variant Classification Sherloc (09022015). Collection method: clinical testing. Allele origin: germline.
Comment: Algorithms developed to predict the effect of missense changes on protein structure and function are either unavailable or do not agree on the potential impact of this missense change (SIFT: "Deleterious"; PolyPhen-2: "Probably Damaging"; Align-GVGD: "Class C15"). This variant has been observed in individual(s) with fundus albipunctatus (PMID: 25820994). This variant is present in population databases (rs758411232, ExAC 0.002%). This sequence change replaces tyrosine with phenylalanine at codon 175 of the RDH5 protein (p.Tyr175Phe). The tyrosine residue is highly conserved and there is a small physicochemical difference between tyrosine and phenylalanine. In summary, the available evidence is currently insufficient to determine the role of this variant in disease. Therefore, it has been classified as a Variant of Uncertain Significance.

Literature cited by the submitters: PubMed 25820994 (cited by Labcorp Genetics (formerly Invitae), Labcorp).

NM_002905.5(RDH5):c.524A>T (p.Tyr175Phe)

Genes: BLOC1S1-RDH5 (BLOC1S1-RDH5 readthrough; plus strand), RDH5 (retinol dehydrogenase 5; plus strand). Cytogenetic location: 12q13.2.
Variant type: single nucleotide variant.
Coding change: c.524A>T on transcript NM_002905.5 (MANE Select); coding-DNA position 524, A replaced by T.
Protein change: p.Tyr175Phe; replaces tyrosine 175 with phenylalanine.
Molecular consequence: missense variant. On other transcripts: non-coding transcript variant (1).
Genome position (GRCh38, 1-based): chr12:55,721,902, A>T. VCF-style: chr12-55721902-A-T. GRCh37 (hg19) VCF-style: chr12-56115686-A-T.
Other names: c.524A>T, p.Tyr175Phe (NM_001199771.3); short protein forms Y175F.
Identifiers: ClinVar variation 1449521 (VCV001449521.9), dbSNP rs758411232, ClinGen allele CA6616856.
Genomic context (GRCh38, chr12:55,721,902, plus strand): 5'-GGGGCCGGGTGATCAACATCACCAGCGTCCTGGGTCGCCTGGCAGCCAATGGTGGGGGCT[A>T]CTGTGTCTCCAAATTTGGCCTGGAGGCCTTCTCTGACAGCCTGAGGTGAGGGGTACAGGG-3'
Protein context (NP_002896.2, residues 165-185): LGRLAANGGG[Tyr175Phe]CVSKFGLEAF